The following is an entry in ClinVar:

ClinVar aggregate classification (germline): Likely pathogenic (1 of 4 stars; one submission).

Conditions:
Pyruvate carboxylase deficiency. Also called: ATAXIA WITH LACTIC ACIDOSIS II; LEIGH NECROTIZING ENCEPHALOPATHY DUE TO PYRUVATE CARBOXYLASE DEFICIENCY; LEIGH SYNDROME DUE TO PYRUVATE CARBOXYLASE DEFICIENCY; PC DEFICIENCY; Pyruvate Carboxylase Deficiency Disease. Identifiers: Orphanet 3008, MedGen C0034341, MONDO:0009949, OMIM 266150.

Submission:

Myriad Genetics, Inc.
Classification: Likely pathogenic for Pyruvate carboxylase deficiency. Last evaluated: 2022-03-31. Review status: criteria provided, single submitter. Criteria: Myriad Women's Health Autosomal Recessive and X-Linked Classification Criteria (2021). Collection method: clinical testing. Allele origin: unknown.
Comment: NM_000920.3(PC):c.706G>T(E236*) is expected to be pathogenic in the context of pyruvate carboxylase deficiency. This variant is predicted to lead to an abnormal or absent protein product due to the creation of a premature termination codon in PC, a gene where loss-of-function variants are known to be pathogenic. Please note: this variant was assessed in the context of healthy population screening.

NM_001040716.2(PC):c.706G>T (p.Glu236Ter)

Gene: PC (pyruvate carboxylase; minus strand). Cytogenetic location: 11q13.2.
Variant type: single nucleotide variant.
Coding change: c.706G>T on transcript NM_001040716.2 (MANE Select); coding-DNA position 706, G replaced by T.
Protein change: p.Glu236Ter; replaces glutamic acid 236 with a stop codon.
Molecular consequence: nonsense.
Genome position (GRCh38, 1-based): chr11:66,870,820, C>A on the plus strand (G>T on the coding strand, the complement: PC is on the minus strand). VCF-style: chr11-66870820-C-A. GRCh37 (hg19) VCF-style: chr11-66638291-C-A.
Other names: c.706G>T, p.Glu236Ter (NM_000920.4, NM_022172.3); short protein forms E236*.
Identifiers: ClinVar variation 1725742 (VCV001725742.2), dbSNP rs2495774531, ClinGen allele CA381501838.